The following is an entry in ClinVar:

NM_005984.5(SLC25A1):c.202+5G>A

Gene: SLC25A1 (solute carrier family 25 member 1; minus strand). Cytogenetic location: 22q11.21.
Variant type: single nucleotide variant.
Coding change: c.202+5G>A on transcript NM_005984.5 (MANE Select); 5 bases into the intron after coding-DNA position 202, G replaced by A.
Molecular consequence: intron variant.
Genome position (GRCh38, 1-based): chr22:19,178,128, C>T on the plus strand (G>A on the coding strand, the complement: SLC25A1 is on the minus strand). VCF-style: chr22-19178128-C-T. GRCh37 (hg19) VCF-style: chr22-19165641-C-T.
Other names: c.-108+5G>A (NM_001287387.2); c.223+5G>A (NM_001256534.2).
Identifiers: ClinVar variation 1473414 (VCV001473414.7), dbSNP rs2146147972, ClinGen allele CA2573157719.

ClinVar aggregate classification (germline): Uncertain significance. Review status: criteria provided, multiple submitters, no conflicts (2 of 4 stars). 2 submissions from 2 submitters: Uncertain significance (2). Last evaluated 2025-06-04.

Conditions:
Myasthenic syndrome, congenital, 23, presynaptic. Identifiers: MedGen C4748678, MONDO:0032596, OMIM 618197.

Allele frequency attached by ClinVar (database versions not stated): gnomAD exomes below 0.00001.

Submissions (2):

Ozbek Human Genetics Laboratory, Izmir Biomedicine and Genome Center
Classification: Uncertain significance for Myasthenic syndrome, congenital, 23, presynaptic. Last evaluated: 2025-06-04. Review status: criteria provided, single submitter. Criteria: ACMG Guidelines, 2015. Collection method: research. Allele origin: unknown. Affected: yes. Observed: 1 variant allele, 1 homozygote.
Comment: A homozygous c.202+5G>A splice site region variant was detected in exon 2 of the SLC25A1 gene (NM_005984.5). This variant is very rarely observed in population databases (PM2). In silico algorithms (AlphaMissense, Revel) predict this variant has a damaging effect at the protein level (PP3). Based on this information, this variant is classified as a Variant of Uncertain Significance (VUS) according to ACMG criteria. The SLC25A1 gene is associated with "Myasthenic syndrome, congenital, 23, presynaptic, AR (MIM: 618197)" in the OMIM database. Data obtained via the RAREBOOST project (Horizon 2020 ERA Chairs at Izmir Biomedicine and Genome Center - IBG)

Labcorp Genetics (formerly Invitae), Labcorp
Classification: Uncertain significance. Last evaluated: 2022-08-09. Review status: criteria provided, single submitter. Criteria: Invitae Variant Classification Sherloc (09022015). Collection method: clinical testing. Allele origin: germline.
Comment: In summary, the available evidence is currently insufficient to determine the role of this variant in disease. Therefore, it has been classified as a Variant of Uncertain Significance. Variants that disrupt the consensus splice site are a relatively common cause of aberrant splicing (PMID: 17576681, 9536098). Algorithms developed to predict the effect of sequence changes on RNA splicing suggest that this variant may create or strengthen a splice site. ClinVar contains an entry for this variant (Variation ID: 1473414). This variant has not been reported in the literature in individuals affected with SLC25A1-related conditions. This variant is not present in population databases (gnomAD no frequency). This sequence change falls in intron 2 of the SLC25A1 gene. It does not directly change the encoded amino acid sequence of the SLC25A1 protein. It affects a nucleotide within the consensus splice site.

Literature cited by the submitters: PubMed 17576681 (cited by Labcorp Genetics (formerly Invitae), Labcorp); PubMed 9536098 (cited by Labcorp Genetics (formerly Invitae), Labcorp).